The following is an entry in ClinVar:

NM_001013838.3(CARMIL2):c.1590C>A (p.Asn530Lys)

Gene: CARMIL2 (capping protein regulator and myosin 1 linker 2; plus strand). Cytogenetic location: 16q22.1.
Variant type: single nucleotide variant.
Coding change: c.1590C>A on transcript NM_001013838.3 (MANE Select); coding-DNA position 1590, C replaced by A.
Protein change: p.Asn530Lys; replaces asparagine 530 with lysine.
Molecular consequence: missense variant.
Genome position (GRCh38, 1-based): chr16:67,648,973, C>A. VCF-style: chr16-67648973-C-A. GRCh37 (hg19) VCF-style: chr16-67682876-C-A.
Other names: c.1482C>A, p.Asn494Lys (NM_001317026.3); short protein forms N530K, N494K.
Identifiers: ClinVar variation 562177 (VCV000562177.4), dbSNP rs1567629968, ClinGen allele CA396337083.

ClinVar aggregate classification (germline): Pathogenic/Likely pathogenic. Review status: criteria provided, multiple submitters, no conflicts (2 of 4 stars). 3 submissions from 3 submitters: Pathogenic (1); Likely pathogenic (2). Last evaluated 2025-01-17.

Conditions:
Combined immunodeficiency. Also called: Congenital combined immunodeficiency; Combined T and B cell immunodeficiency. Identifiers: Orphanet 101972, MedGen C2711630, MONDO:0015131, HP:0005387.
Chronic colitis. Identifiers: MedGen C0267375, HP:0100281.
Severe combined immunodeficiency due to CARMIL2 deficiency. Also called: IMMUNODEFICIENCY 58. Identifiers: Orphanet 542301, MedGen C4748304, MONDO:0029134, OMIM 618131.

gnomAD v4.1: 1 of 1,608,396 alleles (0.000062%); highest among the groups gnomAD compares: Middle Eastern, 0.017%; no homozygotes.

Submissions (3):

Revvity Omics, Revvity
Classification: Likely pathogenic for Severe combined immunodeficiency due to CARMIL2 deficiency. Last evaluated: 2025-01-17. Review status: criteria provided, single submitter. Criteria: ACMG Guidelines, 2015. Collection method: clinical testing. Allele origin: germline.

Aleixo Muise Laboratory, Hospital For Sick Children
Classification: Likely pathogenic for Severe combined immunodeficiency due to CARMIL2 deficiency. Last evaluated: 2024-07-05. Review status: criteria provided, single submitter. Criteria: ACMG Guidelines, 2015. Collection method: research. Allele origin: germline. Affected: yes. Observed: 1 variant allele.
Comment: PS1;PM2;PP3;PP4

The Genetics Institute, Rambam Health Care Campus
Classification: Pathogenic for Chronic colitis; Combined immunodeficiency. Review status: criteria provided, single submitter. Criteria: ACMG Guidelines, 2015. Collection method: clinical testing. Allele origin: germline. Inheritance: Autosomal recessive inheritance. Affected: yes. Observed: 1 homozygote.
Comment: This variant affects a highly conserved amino acid in the LRR domain of the protein. The variant has not been reported in general population databases, and it is predicted deleterious by all pathogenicity bioinformatic algorithms used (MutationTaster, AlignGVGD, PolyPhen2, and SIFT). Other pathogenic CARMIL2 mutations have been identified in patients with combined immunodeficiency (Schober et al. 2017; Sorte et al. 2016; Wang et al. 2016; Alazami et al. 2018).